The following is an entry in ClinVar:

NM_001145026.2(PTPRQ):c.3434C>T (p.Thr1145Ile)

Gene: PTPRQ (protein tyrosine phosphatase receptor type Q; plus strand). Cytogenetic location: 12q21.31.
Variant type: single nucleotide variant.
Coding change: c.3434C>T on transcript NM_001145026.2 (MANE Select); coding-DNA position 3434, C replaced by T.
Protein change: p.Thr1145Ile; replaces threonine 1145 with isoleucine.
Molecular consequence: missense variant.
Genome position (GRCh38, 1-based): chr12:80,541,834, C>T. VCF-style: chr12-80541834-C-T. GRCh37 (hg19) VCF-style: chr12-80935613-C-T.
Other names: short protein forms T1145I.
Identifiers: ClinVar variation 2499938 (VCV002499938.2), dbSNP rs1303893453, ClinGen allele CA385874792.

ClinVar aggregate classification (germline): Uncertain significance (1 of 4 stars; one submission).

Allele frequency attached by ClinVar (database versions not stated): gnomAD exomes below 0.00001; gnomAD 0.00001; TOPMed 0.00001.
gnomAD v4.1: 5 of 1,541,884 alleles (0.00032%); highest among the groups gnomAD compares: Non-Finnish European, 0.00044%; no homozygotes.

Submission:

GeneDx
Classification: Uncertain significance. Last evaluated: 2026-04-01. Review status: criteria provided, single submitter. Criteria: GeneDx Variant Classification Process June 2021. Collection method: clinical testing. Allele origin: germline.
Comment: Not observed at significant frequency in large population cohorts (gnomAD); In silico analysis supports that this missense variant has a deleterious effect on protein structure/function; Has not been previously published as pathogenic or benign to our knowledge